The following is an entry in ClinVar:

ClinVar aggregate classification (germline): Pathogenic (1 of 4 stars; one submission).

Conditions:
Autosomal recessive distal spinal muscular atrophy 1. Also called: HMN VI; NEURONOPATHY, SEVERE INFANTILE AXONAL, WITH RESPIRATORY FAILURE; SEVERE INFANTILE AXONAL NEUROPATHY WITH RESPIRATORY FAILURE; SPINAL MUSCULAR ATROPHY, DIAPHRAGMATIC; Spinal muscular atrophy with respiratory distress 1; NEURONOPATHY, DISTAL HEREDITARY MOTOR, HARDING TYPE VI. Identifiers: Orphanet 98920, MedGen C1858517, MONDO:0011436, OMIM 604320.
Charcot-Marie-Tooth disease axonal type 2S. Also called: CHARCOT-MARIE-TOOTH NEUROPATHY, TYPE 2S; CHARCOT-MARIE-TOOTH DISEASE, AXONAL, AUTOSOMAL RECESSIVE, TYPE 2S. Identifiers: Orphanet 443073, MedGen C4015349, MONDO:0014511, OMIM 616155.

Submission:

Labcorp Genetics (formerly Invitae), Labcorp
Classification: Pathogenic for Autosomal recessive distal spinal muscular atrophy 1; Charcot-Marie-Tooth disease axonal type 2S. Last evaluated: 2023-03-02. Review status: criteria provided, single submitter. Criteria: Invitae Variant Classification Sherloc (09022015). Collection method: clinical testing. Allele origin: germline.
Comment: For these reasons, this variant has been classified as Pathogenic. This variant has not been reported in the literature in individuals affected with IGHMBP2-related conditions. This variant is not present in population databases (gnomAD no frequency). This sequence change creates a premature translational stop signal (p.Ala94Metfs*11) in the IGHMBP2 gene. It is expected to result in an absent or disrupted protein product. Loss-of-function variants in IGHMBP2 are known to be pathogenic (PMID: 14681881, 25439726, 25568292).

Literature cited by the submitters: PubMed 14681881; PubMed 25439726; PubMed 25568292.

NM_002180.3(IGHMBP2):c.280_286del (p.Ala94fs)

Gene: IGHMBP2 (immunoglobulin mu DNA binding protein 2; plus strand). Cytogenetic location: 11q13.3.
Variant type: Deletion.
Coding change: c.280_286del on transcript NM_002180.3 (MANE Select); coding-DNA positions 280 to 286, 7 bases deleted (GCTGCTA; older notation c.280_286delGCTGCTA).
Protein change: p.Ala94fs; shifts the reading frame from alanine 94.
Molecular consequence: frameshift variant.
Genome position (GRCh38, 1-based): chr11:68,908,168-68,908,174, GCTGCTA deleted. VCF-style (leftmost placement, unchanged base first): chr11-68908167-TGCTGCTA-T. GRCh37 (hg19) VCF-style: chr11-68675635-TGCTGCTA-T.
Other names: short protein forms A94fs.
Identifiers: ClinVar variation 2943758 (VCV002943758.3), dbSNP rs2495949807, ClinGen allele CA2740093101.
Genomic context (GRCh38, chr11:68,908,167, plus strand): 5'-CCCCAGTGTCTTGTGTCACTGAGTCTTTGTTTTTGCAGGTGATATCGTGGGCCTGTACGA[TGCTGCTA>T]ATGAGGGCAGTCAGCTGGCCACTGGGATCTTGACCCGGGTCACCCAGAAGTCGGTCACGG-3'